The following is an entry in ClinVar:

NM_018979.4(WNK1):c.6095C>T (p.Ser2032Leu)

Gene: WNK1 (WNK lysine deficient protein kinase 1; plus strand). Cytogenetic location: 12p13.33.
Variant type: single nucleotide variant.
Coding change: c.6095C>T on transcript NM_018979.4 (MANE Select); coding-DNA position 6095, C replaced by T.
Protein change: p.Ser2032Leu; replaces serine 2032 with leucine.
Molecular consequence: missense variant.
Genome position (GRCh38, 1-based): chr12:896,582, C>T. VCF-style: chr12-896582-C-T. GRCh37 (hg19) VCF-style: chr12-1005748-C-T.
Other names: c.6095C>T (NM_018979.3); c.6875C>T, p.Ser2292Leu (NM_001184985.2); c.5351C>T, p.Ser1784Leu (NM_014823.3); c.6851C>T, p.Ser2284Leu (NM_213655.5); short protein forms S1784L, S2032L, S2292L, S2284L.
Identifiers: ClinVar variation 1410565 (VCV001410565.11), dbSNP rs780191582, ClinGen allele CA6383330.

ClinVar aggregate classification (germline): Uncertain significance. Review status: criteria provided, multiple submitters, no conflicts (2 of 4 stars). 5 submissions from 5 submitters: Uncertain significance (5). Last evaluated 2025-09-10.

Conditions:
WNK1-related disorder. Also called: WNK1-related condition.
Inborn genetic diseases. Identifiers: MedGen C0950123, MeSH D030342.
Pseudohypoaldosteronism type 2C (PHA2C). Also called: Pseudohypoaldosteronism Type IIC. Identifiers: Orphanet 757, Orphanet 88940, MedGen C1840391, MONDO:0013778, OMIM 614492.
Neuropathy, hereditary sensory and autonomic, type 2A (HSAN2A). Also called: ACROOSTEOLYSIS, GIACCAI TYPE; ACROOSTEOLYSIS, NEUROGENIC; WNK1-Related HSAN2 (HSAN2A); MORVAN DISEASE; NEUROPATHY, CONGENITAL SENSORY; NEUROPATHY, HEREDITARY SENSORY RADICULAR, AUTOSOMAL RECESSIVE. Identifiers: Orphanet 970, MedGen C2752089, MONDO:0024309, OMIM 201300.

Allele frequency attached by ClinVar (database versions not stated): gnomAD 0.00001; TOPMed 0.00004.
gnomAD v4.1: 71 of 1,611,602 alleles (0.0044%); highest among the groups gnomAD compares: South Asian, 0.062%; no homozygotes.

Submissions (5):

Labcorp Genetics (formerly Invitae), Labcorp
Classification: Uncertain significance for Neuropathy, hereditary sensory and autonomic, type 2A; Pseudohypoaldosteronism type 2C. Last evaluated: 2025-09-10. Review status: criteria provided, single submitter. Criteria: Invitae Variant Classification Sherloc (09022015). Collection method: clinical testing. Allele origin: germline.
Comment: This sequence change replaces serine, which is neutral and polar, with leucine, which is neutral and non-polar, at codon 2284 of the WNK1 protein (p.Ser2284Leu). This variant is present in population databases (rs780191582, gnomAD 0.05%). This variant has not been reported in the literature in individuals affected with WNK1-related conditions. ClinVar contains an entry for this variant (Variation ID: 1410565). Invitae Evidence Modeling of protein sequence and biophysical properties (such as structural, functional, and spatial information, amino acid conservation, physicochemical variation, residue mobility, and thermodynamic stability) indicates that this missense variant is not expected to disrupt WNK1 protein function with a negative predictive value of 95%. In summary, the available evidence is currently insufficient to determine the role of this variant in disease. Therefore, it has been classified as a Variant of Uncertain Significance.

PreventionGenetics, part of Exact Sciences
Classification: Uncertain significance for WNK1-related condition. Last evaluated: 2025-03-13. Review status: criteria provided, single submitter. Criteria: ACMG Guidelines, 2015. Collection method: clinical testing. Allele origin: germline.
Comment: The WNK1 c.6095C>T variant is predicted to result in the amino acid substitution p.Ser2032Leu. To our knowledge, this variant has not been reported in the literature. This variant is reported in 0.046% of alleles in individuals of South Asian descent in gnomAD. At this time, the clinical significance of this variant is uncertain due to the absence of conclusive functional and genetic evidence.

Women's Health and Genetics/Laboratory Corporation of America, LabCorp
Classification: Uncertain significance. Last evaluated: 2025-02-24. Review status: criteria provided, single submitter. Criteria: LabCorp Variant Classification Summary - May 2015. Collection method: clinical testing. Allele origin: germline.
Comment: Variant summary: WNK1 c.6095C>T (p.Ser2032Leu) results in a non-conservative amino acid change in the encoded protein sequence. Three of five in-silico tools predict a benign effect of the variant on protein function. The variant allele was found at a frequency of 7.2e-05 in 250922 control chromosomes. This frequency is not significantly higher than estimated for a pathogenic variant in WNK1 causing Neuropathy, hereditary sensory and autonomic, type 2A (7.2e-05 vs 0.0011), allowing no conclusion about variant significance. To our knowledge, no occurrence of c.6095C>T in individuals affected with Neuropathy, hereditary sensory and autonomic, type 2A and no experimental evidence demonstrating its impact on protein function have been reported. ClinVar contains an entry for this variant (Variation ID: 1410565). Based on the evidence outlined above, the variant was classified as uncertain significance.

Fulgent Genetics
Classification: Uncertain significance for Neuropathy, hereditary sensory and autonomic, type 2A; Pseudohypoaldosteronism type 2C. Last evaluated: 2024-02-26. Review status: criteria provided, single submitter. Criteria: ACMG Guidelines, 2015. Collection method: clinical testing. Allele origin: germline.

Ambry Genetics
Classification: Uncertain significance for Inborn genetic diseases. Last evaluated: 2020-07-09. Review status: criteria provided, single submitter. Criteria: Ambry Variant Classification Scheme 2023. Collection method: clinical testing. Allele origin: germline.
Comment: The p.S2284L variant (also known as c.6851C>T), located in coding exon 24 of the WNK1 gene, results from a C to T substitution at nucleotide position 6851. The serine at codon 2284 is replaced by leucine, an amino acid with dissimilar properties. This amino acid position is well conserved in available vertebrate species. In addition, the in silico prediction for this alteration is inconclusive. Since supporting evidence is limited at this time, the clinical significance of this alteration remains unclear.